The following is an entry in ClinVar:

NM_001374736.1(DST):c.5182C>A (p.Gln1728Lys)

Gene: DST (dystonin; minus strand). Cytogenetic location: 6p12.1.
Variant type: single nucleotide variant.
Coding change: c.5182C>A on transcript NM_001374736.1 (MANE Select); coding-DNA position 5182, C replaced by A.
Protein change: p.Gln1728Lys; replaces glutamine 1728 with lysine.
Molecular consequence: missense variant.
Genome position (GRCh38, 1-based): chr6:56,610,528, G>T on the plus strand (C>A on the coding strand, the complement: DST is on the minus strand). VCF-style: chr6-56610528-G-T. GRCh37 (hg19) VCF-style: chr6-56475326-G-T.
Other names: c.5083C>A, p.Gln1695Lys (NM_001144769.5); c.4669C>A, p.Gln1557Lys (NM_001144770.2); c.5182C>A, p.Gln1728Lys (NM_001374722.1); c.4549C>A, p.Gln1517Lys (NM_001374729.1, NM_001374730.1, NM_183380.4); c.5209C>A, p.Gln1737Lys (NM_001374734.1); c.3571C>A, p.Gln1191Lys (NM_015548.5); short protein forms Q1695K, Q1191K, Q1557K, Q1728K, Q1517K, Q1737K.
Identifiers: ClinVar variation 969096 (VCV000969096.14), dbSNP rs768721876, ClinGen allele CA3869780.

ClinVar aggregate classification (germline): Uncertain significance. Review status: criteria provided, multiple submitters, no conflicts (2 of 4 stars). 4 submissions from 4 submitters: Uncertain significance (4). Last evaluated 2026-03-05.

Conditions:
Inborn genetic diseases. Identifiers: MedGen C0950123, MeSH D030342.
DST-related disorder. Also called: DST-related condition; DST-related disorders.
Epidermolysis bullosa simplex 3, localized or generalized intermediate, with BP230 deficiency (EBS3). Also called: Epidermolysis bullosa simplex, autosomal recessive 2; Epidermolysis bullosa simplex due to BP230 deficiency. Identifiers: Orphanet 412181, MedGen C3809470, MONDO:0014180, OMIM 615425.
Hereditary sensory and autonomic neuropathy type 6. Also called: HSAN VI; Neuropathy, hereditary sensory and autonomic, type VI. Identifiers: Orphanet 314381, MedGen C3539003, MONDO:0013839, OMIM 614653.

Allele frequency attached by ClinVar (database versions not stated): TOPMed 0.00012; gnomAD exomes 0.00015; gnomAD 0.00021 and 0.00022; ExAC 0.00036.
gnomAD v4.1: 242 of 1,565,224 alleles (0.015%); highest among the groups gnomAD compares: Non-Finnish European, 0.02%; no homozygotes.

Submissions (4):

PreventionGenetics, part of Exact Sciences
Classification: Uncertain significance for DST-related condition. Last evaluated: 2026-03-05. Review status: criteria provided, single submitter. Criteria: ACMG Guidelines, 2015. Collection method: clinical testing. Allele origin: germline.
Comment: The DST c.5083C>A variant is predicted to result in the amino acid substitution p.Gln1695Lys. To our knowledge, this variant has not been reported in the literature. This variant is reported in 0.035% of alleles in individuals of European (non-Finnish) descent in gnomAD. At this time, the clinical significance of this variant is uncertain due to the absence of conclusive functional and genetic evidence.

Labcorp Genetics (formerly Invitae), Labcorp
Classification: Uncertain significance for Epidermolysis bullosa simplex 3, localized or generalized intermediate, with BP230 deficiency; Hereditary sensory and autonomic neuropathy type 6. Last evaluated: 2026-01-22. Review status: criteria provided, single submitter. Criteria: Invitae Variant Classification Sherloc (09022015). Collection method: clinical testing. Allele origin: germline.
Comment: The DST gene has multiple clinically relevant transcripts. This variant occurs in alternate transcript NM_015548.4, and corresponds to NM_001723.5:c.*4989C>A in the primary transcript. This sequence change replaces glutamine, which is neutral and polar, with lysine, which is basic and polar, at codon 1191 of the DST protein (p.Gln1191Lys). This variant is present in population databases (rs768721876, gnomAD 0.04%). This variant has not been reported in the literature in individuals affected with DST-related conditions. ClinVar contains an entry for this variant (Variation ID: 969096). Experimental studies and prediction algorithms are not available or were not evaluated, and the functional significance of this variant is currently unknown. In summary, the available evidence is currently insufficient to determine the role of this variant in disease. Therefore, it has been classified as a Variant of Uncertain Significance.

Ambry Genetics
Classification: Uncertain significance for Inborn genetic diseases. Last evaluated: 2023-04-27. Review status: criteria provided, single submitter. Criteria: Ambry Variant Classification Scheme 2023. Collection method: clinical testing. Allele origin: germline.

Mayo Clinic Laboratories, Mayo Clinic
Classification: Uncertain significance. Last evaluated: 2019-08-17. Review status: criteria provided, single submitter. Criteria: ACMG Guidelines, 2015. Collection method: clinical testing. Allele origin: germline. Observed: 1 variant allele.